The following is an entry in ClinVar:

NM_001017420.3(ESCO2):c.*425G>A

Gene: ESCO2 (establishment of sister chromatid cohesion N-acetyltransferase 2; plus strand). Cytogenetic location: 8p21.1.
Variant type: single nucleotide variant.
Coding change: c.*425G>A on transcript NM_001017420.3 (MANE Select); 425 bases downstream of the stop codon, G replaced by A.
Molecular consequence: 3 prime UTR variant.
Genome position (GRCh38, 1-based): chr8:27,803,863, G>A. VCF-style: chr8-27803863-G-A. GRCh37 (hg19) VCF-style: chr8-27661380-G-A.
Identifiers: ClinVar variation 362764 (VCV000362764.6), dbSNP rs72609984, ClinGen allele CA10630829.
Genomic context (GRCh38, chr8:27,803,863, plus strand): 5'-ACTCTTAGACCAGGATTATCTAATGCCACATCAGAAGCAAACAGGCAAATTTAAACTTGG[G>A]CAAGTAATTTCTGTGCCCAATTTGTAAAGGGAATTCCTGAATTTTTTTTTTTTTTTAATA-3'

ClinVar aggregate classification (germline): Benign. Review status: criteria provided, multiple submitters, no conflicts (2 of 4 stars). 2 submissions from 2 submitters: Benign (2). Last evaluated 2018-01-12.

Conditions:
Roberts-SC phocomelia syndrome (RBS). Also called: LONG BONE DEFICIENCIES ASSOCIATED WITH CLEFT LIP-PALATE; Hypomelia hypotrichosis facial hemangioma syndrome; ESCO2 Spectrum Disorder; Pseudothalidomide syndrome; Appelt-Gerken-Lenz syndrome. Identifiers: Orphanet 3103, MedGen C0392475, MONDO:0100253, OMIM 268300.

Allele frequency attached by ClinVar (database versions not stated): gnomAD exomes 0.09780; gnomAD 0.15151 and 0.15524; TOPMed 0.16090; 1000 Genomes Project 30x 0.21362; 1000 Genomes Project 0.21885.

Submissions (2):

Illumina Laboratory Services, Illumina
Classification: Benign for Roberts-SC phocomelia syndrome. Last evaluated: 2018-01-12. Review status: criteria provided, single submitter. Criteria: ICSL Variant Classification Criteria 13 December 2019. Collection method: clinical testing. Allele origin: germline.
Comment: This variant was observed in the ICSL laboratory as part of a predisposition screen in an ostensibly healthy population. It had not been previously curated by ICSL or reported in the Human Gene Mutation Database (HGMD: prior to June 1st, 2018), and was therefore a candidate for classification through an automated scoring system. Utilizing variant allele frequency, disease prevalence and penetrance estimates, and inheritance mode, an automated score was calculated to assess if this variant is too frequent to cause the disease. Based on the score and internal cut-off values, a variant classified as benign is not then subjected to further curation. The score for this variant resulted in a classification of benign for this disease.

Breakthrough Genomics
Classification: Benign. Review status: criteria provided, single submitter. Criteria: ACMG Guidelines, 2015. Collection method: not provided. Allele origin: germline. Inheritance: Autosomal recessive inheritance. Affected: yes.